The following is an entry in ClinVar:

NM_001458.5(FLNC):c.3472G>T (p.Val1158Leu)

Gene: FLNC (filamin C; plus strand). Cytogenetic location: 7q32.1.
Variant type: single nucleotide variant.
Coding change: c.3472G>T on transcript NM_001458.5 (MANE Select); coding-DNA position 3472, G replaced by T.
Protein change: p.Val1158Leu; replaces valine 1158 with leucine.
Molecular consequence: missense variant.
Genome position (GRCh38, 1-based): chr7:128,844,937, G>T. VCF-style: chr7-128844937-G-T. GRCh37 (hg19) VCF-style: chr7-128484991-G-T.
Other names: c.3472G>T, p.Val1158Leu (NM_001127487.2); short protein forms V1158L.
Identifiers: ClinVar variation 1731753 (VCV001731753.2), dbSNP rs2536637773, ClinGen allele CA369197036.

ClinVar aggregate classification (germline): Uncertain significance (1 of 4 stars; one submission).

Conditions:
Cardiovascular phenotype. Identifiers: MedGen CN230736.

Allele frequency attached by ClinVar (database versions not stated): gnomAD exomes below 0.00001.
gnomAD v4.1: 1 of 1,613,896 alleles (0.000062%); highest among the groups gnomAD compares: South Asian, 0.0011%; no homozygotes.

Submission:

Ambry Genetics
Classification: Uncertain significance for Cardiovascular phenotype. Last evaluated: 2020-09-17. Review status: criteria provided, single submitter. Criteria: Ambry Variant Classification Scheme 2023. Collection method: clinical testing. Allele origin: germline.
Comment: The p.V1158L variant (also known as c.3472G>T), located in coding exon 21 of the FLNC gene, results from a G to T substitution at nucleotide position 3472. The valine at codon 1158 is replaced by leucine, an amino acid with highly similar properties. This amino acid position is highly conserved in available vertebrate species. In addition, this alteration is predicted to be deleterious by in silico analysis. Since supporting evidence is limited at this time, the clinical significance of this alteration remains unclear.